The following is an entry in ClinVar:

ClinVar aggregate classification (germline): Benign. Review status: criteria provided, multiple submitters, no conflicts (2 of 4 stars). 3 submissions from 3 submitters: Benign (2). 1 of the submissions does not count toward it. Last evaluated 2018-10-10.

Conditions:
CHL1-related disorder. Also called: CHL1-related condition.

Allele frequency attached by ClinVar (database versions not stated): gnomAD exomes 0.00016; ESP Exome Variant Server 0.00138; gnomAD 0.00145 and 0.00158; TOPMed 0.00159; 1000 Genomes Project 0.00180; 1000 Genomes Project 30x 0.00187.
gnomAD v4.1: 454 of 1,613,920 alleles (0.028%); highest among the groups gnomAD compares: African/African-American, 0.52%; no homozygotes.

Submissions (3):

Labcorp Genetics (formerly Invitae), Labcorp
Classification: Benign. Last evaluated: 2018-10-10. Review status: criteria provided, single submitter. Criteria: Invitae Variant Classification Sherloc (09022015). Collection method: clinical testing. Allele origin: germline.

Breakthrough Genomics
Classification: Benign. Review status: criteria provided, single submitter. Criteria: ACMG Guidelines, 2015. Collection method: not provided. Allele origin: germline. Inheritance: Unknown mechanism. Affected: yes.

PreventionGenetics, part of Exact Sciences
Classification: Likely benign for CHL1-related condition. Last evaluated: 2019-05-01. Review status: no assertion criteria provided. Collection method: clinical testing. Allele origin: germline. Not counted in ClinVar's aggregate classification.
Comment: This variant is classified as likely benign based on ACMG/AMP sequence variant interpretation guidelines (Richards et al. 2015 PMID: 25741868, with internal and published modifications).

NM_006614.4(CHL1):c.2100C>T (p.Phe700=)

Genes: CHL1 (cell adhesion molecule L1 like; plus strand), CHL1-AS1 (CHL1 antisense RNA 1; minus strand). Cytogenetic location: 3p26.3.
Variant type: single nucleotide variant.
Coding change: c.2100C>T on transcript NM_006614.4 (MANE Select); coding-DNA position 2100, C replaced by T.
Protein change: p.Phe700=; no amino-acid change (phenylalanine 700 retained).
Molecular consequence: synonymous variant. On other transcripts: non-coding transcript variant (1).
Genome position (GRCh38, 1-based): chr3:382,595, C>T. VCF-style: chr3-382595-C-T. GRCh37 (hg19) VCF-style: chr3-424278-C-T.
Other names: c.2052C>T, p.Phe684= (NM_001253387.2); c.2100C>T, p.Phe700= (NM_001253388.1).
Identifiers: ClinVar variation 729796 (VCV000729796.6), dbSNP rs61753583, ClinGen allele CA2225005.